The following is an entry in ClinVar:

NM_004370.6(COL12A1):c.4741A>T (p.Thr1581Ser)

Gene: COL12A1 (collagen type XII alpha 1 chain; minus strand). Cytogenetic location: 6q13.
Variant type: single nucleotide variant.
Coding change: c.4741A>T on transcript NM_004370.6 (MANE Select); coding-DNA position 4741, A replaced by T.
Protein change: p.Thr1581Ser; replaces threonine 1581 with serine.
Molecular consequence: missense variant.
Genome position (GRCh38, 1-based): chr6:75,143,338, T>A on the plus strand (A>T on the coding strand, the complement: COL12A1 is on the minus strand). VCF-style: chr6-75143338-T-A. GRCh37 (hg19) VCF-style: chr6-75853054-T-A.
Other names: c.4741A>T, p.Thr1581Ser (NM_001424113.1, NM_001424114.1); c.4468A>T, p.Thr1490Ser (NM_001424115.1); c.1249A>T, p.Thr417Ser (NM_001424116.1, NM_080645.3); short protein forms T1490S, T1581S, T417S.
Identifiers: ClinVar variation 4782831 (VCV004782831.1).

ClinVar aggregate classification (germline): Uncertain significance (1 of 4 stars; one submission).

Conditions:
Ullrich congenital muscular dystrophy 2 (UCMD2). Identifiers: Orphanet 75840, MedGen C4225314, MONDO:0014654, OMIM 616470.
Bethlem myopathy 2 (BTHLM2). Identifiers: Orphanet 536516, Orphanet 610, MedGen C4225313, MONDO:0034022, OMIM 616471.

Submission:

Labcorp Genetics (formerly Invitae), Labcorp
Classification: Uncertain significance for Bethlem myopathy 2; Ullrich congenital muscular dystrophy 2. Last evaluated: 2025-10-27. Review status: criteria provided, single submitter. Criteria: Invitae Variant Classification Sherloc (09022015). Collection method: clinical testing. Allele origin: germline.
Comment: This sequence change replaces threonine, which is neutral and polar, with serine, which is neutral and polar, at codon 1581 of the COL12A1 protein (p.Thr1581Ser). This variant is not present in population databases (gnomAD no frequency). This variant has not been reported in the literature in individuals affected with COL12A1-related conditions. Invitae Evidence Modeling of protein sequence and biophysical properties (such as structural, functional, and spatial information, amino acid conservation, physicochemical variation, residue mobility, and thermodynamic stability) indicates that this missense variant is not expected to disrupt COL12A1 protein function with a negative predictive value of 80%. In summary, the available evidence is currently insufficient to determine the role of this variant in disease. Therefore, it has been classified as a Variant of Uncertain Significance.